The following is an entry in ClinVar:

NM_000059.4(BRCA2):c.7874G>A (p.Arg2625Lys)

Gene: BRCA2 (BRCA2 DNA repair associated; plus strand). Cytogenetic location: 13q13.1.
Variant type: single nucleotide variant.
Coding change: c.7874G>A on transcript NM_000059.4 (MANE Select); coding-DNA position 7874, G replaced by A.
Protein change: p.Arg2625Lys; replaces arginine 2625 with lysine.
Molecular consequence: missense variant.
Genome position (GRCh38, 1-based): chr13:32,362,591, G>A. VCF-style: chr13-32362591-G-A. GRCh37 (hg19) VCF-style: chr13-32936728-G-A.
Other names: short protein forms R2625K.
Identifiers: ClinVar variation 220500 (VCV000220500.19), dbSNP rs864622552, ClinGen allele CA348618.
Genomic context (GRCh38, chr13:32,362,591, plus strand): 5'-GTGACACTCCAGGTGTGGATCCAAAGCTTATTTCTAGAATTTGGGTTTATAATCACTATA[G>A]ATGGATCATATGGAAACTGGCAGCTATGGAATGTGCCTTTCCTAAGGAATTTGCTAATAG-3'
Protein context (NP_000050.3, residues 2615-2635): ISRIWVYNHY[Arg2625Lys]WIIWKLAAME

ClinVar aggregate classification (germline): Conflicting classifications of pathogenicity. Review status: criteria provided, conflicting classifications (1 of 4 stars). 9 submissions from 9 submitters: Uncertain significance (8); Likely benign (1). Last evaluated 2026-01-04.

Conditions:
Hereditary cancer-predisposing syndrome. Also called: Tumor predisposition; Hereditary neoplastic syndrome; Neoplastic Syndromes, Hereditary; Hereditary Cancer Syndrome. Identifiers: Orphanet 140162, MedGen C0027672, MeSH D009386, MONDO:0015356.
Hereditary breast ovarian cancer syndrome. Also called: Hereditary breast and ovarian cancer; BRCA1- and BRCA2-Associated Hereditary Breast and Ovarian Cancer; Hereditary breast and/or ovarian cancer syndrome; Hereditary breast and ovarian cancer syndrome; Hereditary breast and ovarian cancer syndrome (HBOC); Breast and ovarian cancer. Identifiers: Orphanet 145, MedGen C0677776, MeSH D061325, MONDO:0003582. Disease mechanism: loss of function.
Breast-ovarian cancer, familial, susceptibility to, 2 (BROVCA2). Also called: BRCA2 Hereditary Breast and Ovarian Cancer. Identifiers: Orphanet 145, MedGen C2675520, MONDO:0012933, OMIM 612555. Disease mechanism: loss of function.
Familial cancer of breast. Also called: hereditary breast carcinoma; Hereditary breast cancer; BREAST CANCER, FAMILIAL. Identifiers: Orphanet 227535, MedGen C0346153, MONDO:0016419, OMIM 114480. Disease mechanism: loss of function.

Allele frequency attached by ClinVar (database versions not stated): gnomAD exomes below 0.00001.
gnomAD v4.1: 3 of 1,614,108 alleles (0.00019%); highest among the groups gnomAD compares: Admixed American, 0.0033%; no homozygotes.

Submissions (9):

Labcorp Genetics (formerly Invitae), Labcorp
Classification: Uncertain significance for Hereditary breast ovarian cancer syndrome. Last evaluated: 2026-01-04. Review status: criteria provided, single submitter. Criteria: Invitae Variant Classification Sherloc (09022015). Collection method: clinical testing. Allele origin: germline.
Comment: This sequence change replaces arginine, which is basic and polar, with lysine, which is basic and polar, at codon 2625 of the BRCA2 protein (p.Arg2625Lys). This variant is present in population databases (no rsID available, gnomAD 0.003%). This missense change has been observed in individual(s) with breast cancer (PMID: 34196900). ClinVar contains an entry for this variant (Variation ID: 220500). Invitae Evidence Modeling incorporating data from in vitro experimental studies (PMID: 33609447) indicates that this missense variant is not expected to disrupt BRCA2 function with a negative predictive value of 95%. Experimental studies have shown that this missense change does not substantially affect BRCA2 function (PMID: 33609447). In summary, the available evidence is currently insufficient to determine the role of this variant in disease. Therefore, it has been classified as a Variant of Uncertain Significance.

Quest Diagnostics Nichols Institute San Juan Capistrano
Classification: Uncertain significance. Last evaluated: 2025-01-22. Review status: criteria provided, single submitter. Criteria: Quest Diagnostics criteria. Collection method: clinical testing. Allele origin: unknown.
Comment: The BRCA2 c.7874G>A (p.Arg2625Lys) variant has been reported in the published literature an individual affected with breast cancer (PMID: 34196900 (2021)). A cell viability assay indicated the variant was neutral in homology-directed double-strand DNA break repair (PMID: 29884841 (2019)). The frequency of this variant in the general population (Genome Aggregation Database) is uninformative in the assessment of its pathogenicity. Analysis of this variant using bioinformatics tools for the prediction of the effect of amino acid changes on protein structure and function yielded conflicting predictions that this variant is benign or damaging. Based on the available information, we are unable to determine the clinical significance of this variant.

All of Us Research Program, National Institutes of Health
Classification: Uncertain significance for Breast-ovarian cancer, familial, susceptibility to, 2. Last evaluated: 2023-12-13. Review status: criteria provided, single submitter. Criteria: ACMG Guidelines, 2015. Collection method: clinical testing. Allele origin: germline. Inheritance: Autosomal dominant inheritance. Observed: 1 variant allele, 1 heterozygote.
Comment: This missense variant replaces arginine with lysine at codon 2625 of the BRCA2 protein. Computational prediction is inconclusive regarding the impact of this variant on protein structure and function (internally defined REVEL score threshold 0.5 < inconclusive < 0.7, PMID: 27666373). Functional studies have shown that this variant does not impact homology-directed DNA repair (PMID: 33609447, 35736817). To our knowledge, this variant has not been reported in individuals affected with BRCA2-related disorders in the literature. This variant has been identified in 1/251274 chromosomes in the general population by the Genome Aggregation Database (gnomAD). The available evidence is insufficient to determine the role of this variant in disease conclusively. Therefore, this variant is classified as a Variant of Uncertain Significance.

This study involves interpretation of variants in research participants for the purpose of population health screening. Participant phenotype was not available at the time of variant classification. Additional details can be found in publication PMID: 35346344, PMCID: PMC8962531

Color Diagnostics, LLC DBA Color Health
Classification: Uncertain significance for Hereditary cancer-predisposing syndrome. Last evaluated: 2023-11-09. Review status: criteria provided, single submitter. Criteria: ACMG Guidelines, 2015. Collection method: clinical testing. Allele origin: germline.
Comment: This missense variant replaces arginine with lysine at codon 2625 of the BRCA2 protein. Computational prediction is inconclusive regarding the impact of this variant on protein structure and function (internally defined REVEL score threshold 0.5 < inconclusive < 0.7, PMID: 27666373). Functional studies have shown that this variant does not impact homology-directed DNA repair (PMID: 33609447, 35736817). To our knowledge, this variant has not been reported in individuals affected with BRCA2-related disorders in the literature. This variant has been identified in 1/251274 chromosomes in the general population by the Genome Aggregation Database (gnomAD). The available evidence is insufficient to determine the role of this variant in disease conclusively. Therefore, this variant is classified as a Variant of Uncertain Significance.

Baylor Genetics
Classification: Uncertain significance for Familial cancer of breast. Last evaluated: 2023-10-12. Review status: criteria provided, single submitter. Criteria: ACMG Guidelines, 2015. Collection method: clinical testing. Allele origin: unknown.

Division of Medical Genetics, University of Washington
Classification: Uncertain significance for Breast-ovarian cancer, familial, susceptibility to, 2. Last evaluated: 2020-04-01. Review status: criteria provided, single submitter. Criteria: ACMG Guidelines, 2015. Collection method: clinical testing. Allele origin: germline. Affected: no. Study: CSER_CHARM.
Comment: To our knowledge, this sequence variant has not been previously reported in the literature. This variant has an overall allele frequency of 0.000004 in the Broad Institute gnomAD Browser. In silico analyses indicate this is an evolutionarily conserved residue. Thus, it is unknown at this time whether this variant increases cancer risk. PM2; PP3

Ambry Genetics
Classification: Likely benign for Hereditary cancer-predisposing syndrome. Last evaluated: 2019-12-06. Review status: criteria provided, single submitter. Criteria: Ambry Variant Classification Scheme 2023. Collection method: clinical testing. Allele origin: germline.

Women's Health and Genetics/Laboratory Corporation of America, LabCorp
Classification: Uncertain significance. Last evaluated: 2018-08-24. Review status: criteria provided, single submitter. Criteria: LabCorp Variant Classification Summary - May 2015. Collection method: clinical testing. Allele origin: germline.
Comment: Variant summary: BRCA2 c.7874G>A (p.Arg2625Lys) results in a conservative amino acid change located in the Breast cancer type 2 susceptibility protein, helical domain (IPR015252) of the encoded protein sequence. Three of five in-silico tools predict a damaging effect of the variant on protein function. The variant allele was found at a frequency of 4.1e-06 in 246032 control chromosomes (gnomAD). The available data on variant occurrences in the general population are insufficient to allow any conclusion about variant significance. To our knowledge, no occurrence of c.7874G>A in individuals affected with Hereditary Breast and Ovarian Cancer and no experimental evidence demonstrating its impact on protein function have been reported. Three ClinVar submissions from other clinical diagnostic laboratories (evaluation after 2014) cite the variant as "uncertain significance." Based on the evidence outlined above, the variant was classified as uncertain significance.

GeneDx
Classification: Uncertain significance. Last evaluated: 2016-02-10. Review status: criteria provided, single submitter. Criteria: GeneDx Variant Classification (06012015). Collection method: clinical testing. Allele origin: germline. Affected: yes.
Comment: This variant is denoted BRCA2 c.7874G>A at the cDNA level, p.Arg2625Lys (R2625K) at the protein level, and results in the change of an Arginine to a Lysine (AGA>AAA). Using alternate nomenclature, this variant would be defined as BRCA2 8102G>A. This variant has not, to our knowledge, been published in the literature as pathogenic or benign. BRCA2 Arg2625Lys was not observed in approximately 6,500 individuals of European and African American ancestry in the NHLBI Exome Sequencing Project, suggesting it is not a common benign variant in these populations. Since Arginine and Lysine share similar properties, this is considered a conservative amino acid substitution. BRCA2 Arg2625Lys occurs at a position where amino acids with properties similar to Arginine are tolerated across species and is located in DNA binding domain as well as in a region reported to interact with SHFM1 (Marston 1999, Yang 2002) . In silico analyses are inconsistent regarding the effect this variant may have on protein structure and function. Based on currently available evidence, it is unclear whether BRCA2 Arg2625Lys is pathogenic or benign. We consider it to be a variant of uncertain significance.

Literature cited by the submitters: PubMed 34196900 (cited by Labcorp Genetics (formerly Invitae), Labcorp and Quest Diagnostics Nichols Institute San Juan Capistrano); PubMed 33609447 (cited by 4 submitters); PubMed 29884841 (cited by Quest Diagnostics Nichols Institute San Juan Capistrano and Ambry Genetics); PubMed 35736817 (cited by 3 submitters); PubMed 35979650 (cited by Quest Diagnostics Nichols Institute San Juan Capistrano); PubMed 35665744 (cited by Quest Diagnostics Nichols Institute San Juan Capistrano).